The following is an entry in ClinVar:

ClinVar aggregate classification (germline): Likely pathogenic. Review status: criteria provided, multiple submitters, no conflicts (2 of 4 stars). 2 submissions from 2 submitters: Likely pathogenic (2). Last evaluated 2021-10-14.

Conditions:
Primary ciliary dyskinesia. Also called: Ciliary dyskinesia. Identifiers: Orphanet 244, MedGen C0008780, MONDO:0016575, HP:0012265.
Kartagener syndrome (CILD1). Also called: POLYNESIAN BRONCHIECTASIS; CILIARY DYSKINESIA, PRIMARY, 1, WITH OR WITHOUT SITUS INVERSUS; CILIARY DYSKINESIA, PRIMARY, 1; IMMOTILE CILIA SYNDROME; Dextrocardia bronchiectasis and sinusitis; SIEWERT SYNDROME. Identifiers: Orphanet 244, MedGen C4551906, MONDO:0009484, OMIM 244400.

Allele frequency attached by ClinVar (database versions not stated): gnomAD exomes below 0.00001.
gnomAD v4.1: 1 of 1,613,634 alleles (0.000062%); highest among the groups gnomAD compares: Non-Finnish European, 0.000085%; no homozygotes.

Submissions (2):

Fulgent Genetics
Classification: Likely pathogenic for Kartagener syndrome. Last evaluated: 2021-10-14. Review status: criteria provided, single submitter. Criteria: ACMG Guidelines, 2015. Collection method: clinical testing. Allele origin: unknown.

Labcorp Genetics (formerly Invitae), Labcorp
Classification: Likely pathogenic for Primary ciliary dyskinesia. Last evaluated: 2020-12-31. Review status: criteria provided, single submitter. Criteria: Invitae Variant Classification Sherloc (09022015). Collection method: clinical testing. Allele origin: germline.
Comment: This sequence change affects an acceptor splice site in intron 9 of the DNAI1 gene. It is expected to disrupt RNA splicing. Variants that disrupt the donor or acceptor splice site typically lead to a loss of protein function (PMID: 16199547), and loss-of-function variants in DNAI1 are known to be pathogenic (PMID: 16858015, 29363216). In summary, the currently available evidence indicates that the variant is pathogenic, but additional data are needed to prove that conclusively. Therefore, this variant has been classified as Likely Pathogenic. Algorithms developed to predict the effect of sequence changes on RNA splicing suggest that this variant may disrupt the consensus splice site, but this prediction has not been confirmed by published transcriptional studies. This variant has not been reported in the literature in individuals with DNAI1-related conditions. This variant is not present in population databases (ExAC no frequency).

Literature cited by the submitters: PubMed 16199547 (cited by Labcorp Genetics (formerly Invitae), Labcorp); PubMed 16858015 (cited by Labcorp Genetics (formerly Invitae), Labcorp); PubMed 29363216 (cited by Labcorp Genetics (formerly Invitae), Labcorp).

NM_012144.4(DNAI1):c.817-2A>G

Gene: DNAI1 (dynein axonemal intermediate chain 1; plus strand). Cytogenetic location: 9p13.3.
Variant type: single nucleotide variant.
Coding change: c.817-2A>G on transcript NM_012144.4 (MANE Select); the canonical splice acceptor site of the intron before coding-DNA position 817, A replaced by G.
Molecular consequence: splice acceptor variant.
Genome position (GRCh38, 1-based): chr9:34,497,113, A>G. VCF-style: chr9-34497113-A-G. GRCh37 (hg19) VCF-style: chr9-34497111-A-G.
Other names: c.829-2A>G (NM_001281428.2).
Identifiers: ClinVar variation 1503192 (VCV001503192.9), dbSNP rs2132068900, ClinGen allele CA373250674.